The following is an entry in ClinVar:

ClinVar aggregate classification (germline): Uncertain significance (1 of 4 stars; one submission).

Submission:

Labcorp Genetics (formerly Invitae), Labcorp
Classification: Uncertain significance. Last evaluated: 2025-06-29. Review status: criteria provided, single submitter. Criteria: Invitae Variant Classification Sherloc (09022015). Collection method: clinical testing. Allele origin: germline.
Comment: This sequence change replaces arginine, which is basic and polar, with glycine, which is neutral and non-polar, at codon 109 of the TSEN34 protein (p.Arg109Gly). This variant is not present in population databases (gnomAD no frequency). This variant has not been reported in the literature in individuals affected with TSEN34-related conditions. An algorithm developed to predict the effect of missense changes on protein structure and function (PolyPhen-2) suggests that this variant is likely to be tolerated. In summary, the available evidence is currently insufficient to determine the role of this variant in disease. Therefore, it has been classified as a Variant of Uncertain Significance.

NM_001077446.4(TSEN34):c.325C>G (p.Arg109Gly)

Gene: TSEN34 (tRNA splicing endonuclease subunit 34; plus strand). Cytogenetic location: 19q13.42.
Variant type: single nucleotide variant.
Coding change: c.325C>G on transcript NM_001077446.4 (MANE Select); coding-DNA position 325, C replaced by G.
Protein change: p.Arg109Gly; replaces arginine 109 with glycine.
Molecular consequence: missense variant.
Genome position (GRCh38, 1-based): chr19:54,191,802, C>G. VCF-style: chr19-54191802-C-G. GRCh37 (hg19) VCF-style: chr19-54695653-C-G.
Other names: c.325C>G, p.Arg109Gly (NM_001282332.2, NM_001282333.2, NM_001386740.1 and 1 more transcripts); short protein forms R109G.
Identifiers: ClinVar variation 4703807 (VCV004703807.1).